The following is an entry in ClinVar:

NM_000264.5(PTCH1):c.496G>A (p.Gly166Ser)

Gene: PTCH1 (patched 1; minus strand). Cytogenetic location: 9q22.32.
Variant type: single nucleotide variant.
Coding change: c.496G>A on transcript NM_000264.5 (MANE Select); coding-DNA position 496, G replaced by A.
Protein change: p.Gly166Ser; replaces glycine 166 with serine.
Molecular consequence: missense variant. On other transcripts: non-coding transcript variant (1).
Genome position (GRCh38, 1-based): chr9:95,485,773, C>T on the plus strand (G>A on the coding strand, the complement: PTCH1 is on the minus strand). VCF-style: chr9-95485773-C-T. GRCh37 (hg19) VCF-style: chr9-98248055-C-T.
Other names: c.298G>A, p.Gly100Ser (NM_001354919.2, NM_001083602.3); c.43G>A, p.Gly15Ser (NM_001083607.3, NM_001083606.3, NM_001083604.3 and 1 more transcripts); c.496G>A, p.Gly166Ser (NM_001354918.2); c.493G>A, p.Gly165Ser (NM_001083603.3); short protein forms G100S, G15S, G165S, G166S.
Identifiers: ClinVar variation 1334006 (VCV001334006.5), dbSNP rs2118543729, ClinGen allele CA374116940.

ClinVar aggregate classification (germline): Uncertain significance. Review status: criteria provided, multiple submitters, no conflicts (2 of 4 stars). 3 submissions from 3 submitters: Uncertain significance (3). Last evaluated 2025-09-16.

Conditions:
PTCH1-related disorder. Also called: PTCH1-related disorders; PTCH1-related condition.
Gorlin syndrome. Also called: Nevoid Basal Cell Carcinoma Syndrome; Basal cell nevus syndrome. Identifiers: Orphanet 377, MedGen C0004779, MONDO:0007187.
Hereditary cancer-predisposing syndrome. Also called: Hereditary Cancer Syndrome; Hereditary neoplastic syndrome; Neoplastic Syndromes, Hereditary; Tumor predisposition. Identifiers: Orphanet 140162, MedGen C0027672, MeSH D009386, MONDO:0015356.

Allele frequency attached by ClinVar (database versions not stated): gnomAD exomes below 0.00001.
gnomAD v4.1: 2 of 1,614,168 alleles (0.00012%); highest among the groups gnomAD compares: Non-Finnish European, 0.00017%; no homozygotes.

Submissions (3):

Ambry Genetics
Classification: Uncertain significance for Hereditary cancer-predisposing syndrome. Last evaluated: 2025-09-16. Review status: criteria provided, single submitter. Criteria: Ambry Variant Classification Scheme 2023. Collection method: clinical testing. Allele origin: germline.
Comment: The p.G166S variant (also known as c.496G>A), located in coding exon 3 of the PTCH1 gene, results from a G to A substitution at nucleotide position 496. The glycine at codon 166 is replaced by serine, an amino acid with similar properties. This amino acid position is conserved. In addition, the in silico prediction for this alteration is inconclusive. Based on the available evidence, the clinical significance of this variant remains unclear.

PreventionGenetics, part of Exact Sciences
Classification: Uncertain significance for PTCH1-related condition. Last evaluated: 2022-10-31. Review status: criteria provided, single submitter. Criteria: ACMG Guidelines, 2015. Collection method: clinical testing. Allele origin: germline.
Comment: The PTCH1 c.496G>A variant is predicted to result in the amino acid substitution p.Gly166Ser. To our knowledge, this variant has not been reported in the literature or in a large population database, indicating this variant is rare. At this time, the clinical significance of this variant is uncertain due to the absence of conclusive functional and genetic evidence.

CENTOGENE GmbH and LLC - Guiding Precision Medicine
Classification: Uncertain significance for Basal cell nevus syndrome 1. Last evaluated: 2020-07-30. Review status: criteria provided, single submitter. Criteria: ACMG Guidelines, 2015. Collection method: clinical testing. Allele origin: paternal.